The following is an entry in ClinVar:

NM_001267550.2(TTN):c.99946G>A (p.Ala33316Thr)

Genes: TTN (titin; minus strand), TTN-AS1 (TTN antisense RNA 1; plus strand), LOC126806420 (BRD4-independent group 4 enhancer GRCh37_chr2:179401104-179402303; plus strand). Cytogenetic location: 2q31.2.
Variant type: single nucleotide variant.
Coding change: c.99946G>A on transcript NM_001267550.2 (MANE Select); coding-DNA position 99946, G replaced by A.
Protein change: p.Ala33316Thr; replaces alanine 33316 with threonine.
Molecular consequence: missense variant.
Genome position (GRCh38, 1-based): chr2:178,537,163, C>T on the plus strand (G>A on the coding strand, the complement: TTN is on the minus strand). VCF-style: chr2-178537163-C-T. GRCh37 (hg19) VCF-style: chr2-179401890-C-T.
Other names: p.A31675T:GCA>ACA; c.95023G>A, p.Ala31675Thr (NM_001256850.1); c.72751G>A, p.Ala24251Thr (NM_003319.4); c.92242G>A, p.Ala30748Thr (NM_133378.4); c.73126G>A, p.Ala24376Thr (NM_133432.3); c.73327G>A, p.Ala24443Thr (NM_133437.4); short protein forms A31675T, A33316T, A30748T, A24376T, A24443T, A24251T.
Identifiers: ClinVar variation 203051 (VCV000203051.29), dbSNP rs374295768, ClinGen allele CA311091.

ClinVar aggregate classification (germline): Conflicting classifications of pathogenicity. Review status: criteria provided, conflicting classifications (1 of 4 stars). 8 submissions from 8 submitters: Uncertain significance (1); Benign (2); Likely benign (4). 1 of the submissions does not count toward it. Last evaluated 2026-04-01.

Conditions:
TTN-related disorder. Also called: TTN-related condition; TTN-related disease; TTN-related disorders.
Cardiovascular phenotype. Identifiers: MedGen CN230736.
Autosomal recessive limb-girdle muscular dystrophy type 2J (LGMDR10). Also called: Limb-girdle muscular dystrophy, type 2J; MUSCULAR DYSTROPHY, LIMB-GIRDLE, AUTOSOMAL RECESSIVE 10. Identifiers: Orphanet 140922, MedGen C1837342, MONDO:0012127, OMIM 608807.
Dilated cardiomyopathy 1G (CMD1G). Identifiers: Orphanet 154, MedGen C1858763, MONDO:0011400, OMIM 604145.

Allele frequency attached by ClinVar (database versions not stated): gnomAD 0.00011 and 0.00015; TOPMed 0.00011; gnomAD exomes 0.00013 and 0.00027; 1000 Genomes Project 30x 0.00016; 1000 Genomes Project 0.00020; ExAC 0.00026.
gnomAD v4.1: 220 of 1,613,608 alleles (0.014%); highest among the groups gnomAD compares: South Asian, 0.1%; 4 homozygotes.

Submissions (8):

CeGaT Center for Human Genetics Tuebingen
Classification: Benign. Last evaluated: 2026-04-01. Review status: criteria provided, single submitter. Criteria: CeGaT Center For Human Genetics Tuebingen Variant Classification Criteria Version 2. Collection method: clinical testing. Allele origin: germline. Affected: yes. Observed: 3 variant alleles.
Comment: TTN: BP4, BS1, BS2

Labcorp Genetics (formerly Invitae), Labcorp
Classification: Likely benign for Dilated cardiomyopathy 1G; Autosomal recessive limb-girdle muscular dystrophy type 2J. Last evaluated: 2026-02-03. Review status: criteria provided, single submitter. Criteria: Invitae Variant Classification Sherloc (09022015). Collection method: clinical testing. Allele origin: germline.

Blueprint Genetics
Classification: Likely benign. Last evaluated: 2024-04-19. Review status: criteria provided, single submitter. Criteria: ACMG Guidelines, 2015. Collection method: clinical testing. Allele origin: germline.

Women's Health and Genetics/Laboratory Corporation of America, LabCorp
Classification: Benign. Last evaluated: 2024-03-11. Review status: criteria provided, single submitter. Criteria: LabCorp Variant Classification Summary - May 2015. Collection method: clinical testing. Allele origin: germline.
Comment: Variant summary: TTN c.92242G>A (p.Ala30748Thr) results in a non-conservative amino acid change located in the A-band region of the encoded protein sequence. Three of four in-silico tools predict a benign effect of the variant on protein function. The variant allele was found at a frequency of 0.00014 in 1606638 control chromosomes, predominantly at a frequency of 0.001 within the South Asian subpopulation in the gnomAD database, including 4 homozygotes. The observed variant frequency within South Asian control individuals in the gnomAD database is approximately 2.6 fold of the estimated maximal expected allele frequency for a pathogenic variant in TTN causing Dilated Cardiomyopathy phenotype (0.00039), strongly suggesting that the variant is a benign polymorphism. To our knowledge, no occurrence of c.92242G>A in individuals affected with Dilated Cardiomyopathy and no experimental evidence demonstrating its impact on protein function have been reported. ClinVar contains an entry for this variant (Variation ID: 203051). Based on the evidence outlined above, the variant was classified as benign.

GeneDx
Classification: Likely benign. Last evaluated: 2021-02-24. Review status: criteria provided, single submitter. Criteria: GeneDx Variant Classification Process June 2021. Collection method: clinical testing. Allele origin: germline. Affected: yes.

Ambry Genetics
Classification: Likely benign for Cardiovascular phenotype. Last evaluated: 2018-10-29. Review status: criteria provided, single submitter. Criteria: Ambry Variant Classification Scheme 2023. Collection method: clinical testing. Allele origin: germline.

Eurofins Ntd Llc (ga)
Classification: Uncertain significance. Last evaluated: 2018-08-10. Review status: criteria provided, single submitter. Criteria: EGL ClinVar v180209 classification definitions. Collection method: clinical testing. Allele origin: germline. Observed: 3 variant alleles, 3 heterozygotes.

PreventionGenetics, part of Exact Sciences
Classification: Likely benign for TTN-related condition. Last evaluated: 2021-02-10. Review status: no assertion criteria provided. Collection method: clinical testing. Allele origin: germline. Not counted in ClinVar's aggregate classification.
Comment: This variant is classified as likely benign based on ACMG/AMP sequence variant interpretation guidelines (Richards et al. 2015 PMID: 25741868, with internal and published modifications).